The following is an entry in ClinVar:

NM_018474.6(KIZ):c.1447-4G>A

Genes: KIZ (kizuna centrosomal protein; plus strand), KIZ-AS1 (KIZ antisense RNA 1; minus strand). Cytogenetic location: 20p11.23.
Variant type: single nucleotide variant.
Coding change: c.1447-4G>A on transcript NM_018474.6 (MANE Select); 4 bases into the intron before coding-DNA position 1447, G replaced by A.
Molecular consequence: intron variant.
Genome position (GRCh38, 1-based): chr20:21,214,531, G>A. VCF-style: chr20-21214531-G-A. GRCh37 (hg19) VCF-style: chr20-21195169-G-A.
Other names: c.1300-4G>A (NM_001276389.2); c.1105-4G>A (NM_001352436.2); c.1393-4G>A (NM_001352434.2); c.1138-4G>A (NM_001163022.3); c.1084-4G>A (NM_001352435.2); c.1048-4G>A (NM_001163023.3).
Identifiers: ClinVar variation 5002371 (VCV005002371.1).
Genomic context (GRCh38, chr20:21,214,531, plus strand): 5'-AGACCAAGAGGAATGTGGCTACAGTTTGTTTTTATTTCTTTGTGCTTTTTTTGAAACACT[G>A]TAGGCAACAGCATTATTGAGAAAAGCCCTTACAGAAGAGTGTGGCCGTAGGTCAGCTATT-3'

ClinVar aggregate classification (germline): Likely benign (1 of 4 stars; one submission).

Conditions:
KIZ-related disorder. Also called: KIZ-related condition.

Submission:

PreventionGenetics, part of Exact Sciences
Classification: Likely benign for KIZ-related condition. Last evaluated: 2025-01-22. Review status: criteria provided, single submitter. Criteria: ACMG Guidelines, 2015. Collection method: clinical testing. Allele origin: germline.
Comment: This variant is classified as likely benign based on ACMG/AMP sequence variant interpretation guidelines (Richards et al. 2015 PMID: 25741868, with internal and published modifications).